The following is an entry in ClinVar:

NM_000426.4(LAMA2):c.4541C>A (p.Thr1514Asn)

Gene: LAMA2 (laminin subunit alpha 2; plus strand). Cytogenetic location: 6q22.33.
Variant type: single nucleotide variant.
Coding change: c.4541C>A on transcript NM_000426.4 (MANE Select); coding-DNA position 4541, C replaced by A.
Protein change: p.Thr1514Asn; replaces threonine 1514 with asparagine.
Molecular consequence: missense variant.
Genome position (GRCh38, 1-based): chr6:129,353,181, C>A. VCF-style: chr6-129353181-C-A. GRCh37 (hg19) VCF-style: chr6-129674326-C-A.
Other names: c.4541C>A, p.Thr1514Asn (NM_001079823.2); short protein forms T1514N.
Identifiers: ClinVar variation 1998385 (VCV001998385.4), dbSNP rs759355376, ClinGen allele CA3993602.

ClinVar aggregate classification (germline): Uncertain significance (1 of 4 stars; one submission).

Conditions:
LAMA2-related muscular dystrophy (LAMA2-RD). Also called: Laminin alpha 2-related dystrophy. Identifiers: MedGen C5679788, MONDO:0100228.

Allele frequency attached by ClinVar (database versions not stated): ExAC 0.00001.
gnomAD v4.1: 1 of 1,613,718 alleles (0.000062%); highest among the groups gnomAD compares: Non-Finnish European, 0.000085%; no homozygotes.

Submission:

Labcorp Genetics (formerly Invitae), Labcorp
Classification: Uncertain significance for LAMA2-related muscular dystrophy. Last evaluated: 2022-05-25. Review status: criteria provided, single submitter. Criteria: Invitae Variant Classification Sherloc (09022015). Collection method: clinical testing. Allele origin: germline.
Comment: In summary, the available evidence is currently insufficient to determine the role of this variant in disease. Therefore, it has been classified as a Variant of Uncertain Significance. Advanced modeling of protein sequence and biophysical properties (such as structural, functional, and spatial information, amino acid conservation, physicochemical variation, residue mobility, and thermodynamic stability) performed at Invitae indicates that this missense variant is not expected to disrupt LAMA2 protein function. This variant has not been reported in the literature in individuals affected with LAMA2-related conditions. The frequency data for this variant in the population databases is considered unreliable, as metrics indicate poor data quality at this position in the gnomAD database. This sequence change replaces threonine, which is neutral and polar, with asparagine, which is neutral and polar, at codon 1514 of the LAMA2 protein (p.Thr1514Asn).